The following is an entry in ClinVar:

ClinVar aggregate classification (germline): Uncertain significance (1 of 4 stars; one submission).

Allele frequency attached by ClinVar (database versions not stated): gnomAD exomes below 0.00001.

Submission:

Labcorp Genetics (formerly Invitae), Labcorp
Classification: Uncertain significance. Last evaluated: 2022-07-19. Review status: criteria provided, single submitter. Criteria: Invitae Variant Classification Sherloc (09022015). Collection method: clinical testing. Allele origin: germline.
Comment: Algorithms developed to predict the effect of missense changes on protein structure and function output the following: SIFT: "Tolerated"; PolyPhen-2: "Benign"; Align-GVGD: "Class C0". The isoleucine amino acid residue is found in multiple mammalian species, which suggests that this missense change does not adversely affect protein function. This sequence change replaces methionine, which is neutral and non-polar, with isoleucine, which is neutral and non-polar, at codon 1589 of the HMCN1 protein (p.Met1589Ile). This variant is present in population databases (no rsID available, gnomAD 0.007%). This variant has not been reported in the literature in individuals affected with HMCN1-related conditions. In summary, the available evidence is currently insufficient to determine the role of this variant in disease. Therefore, it has been classified as a Variant of Uncertain Significance.

NM_031935.3(HMCN1):c.4767G>T (p.Met1589Ile)

Gene: HMCN1 (hemicentin 1; plus strand). Cytogenetic location: 1q31.1.
Variant type: single nucleotide variant.
Coding change: c.4767G>T on transcript NM_031935.3 (MANE Select); coding-DNA position 4767, G replaced by T.
Protein change: p.Met1589Ile; replaces methionine 1589 with isoleucine.
Molecular consequence: missense variant.
Genome position (GRCh38, 1-based): chr1:186,015,295, G>T. VCF-style: chr1-186015295-G-T. GRCh37 (hg19) VCF-style: chr1-185984427-G-T.
Other names: short protein forms M1589I.
Identifiers: ClinVar variation 1901361 (VCV001901361.5), dbSNP rs1005469394, ClinGen allele CA33453531.
Genomic context (GRCh38, chr1:186,015,295, plus strand): 5'-TGAAACACGGGGACTTCCAATGCCTGCCATTACTTGGTATAAGGACGGGCAGCCAATCAT[G>T]TCCAGCTCACAAGCACTTTATATTGATAAAGGACAATATCTTCATATTCCTCGAGCACAG-3'
Protein context (NP_114141.2, residues 1579-1599): ITWYKDGQPI[Met1589Ile]SSSQALYIDK